The following is an entry in ClinVar:

NM_018055.5(NODAL):c.220A>T (p.Thr74Ser)

Gene: NODAL (nodal growth differentiation factor; minus strand). Cytogenetic location: 10q22.1.
Variant type: single nucleotide variant.
Coding change: c.220A>T on transcript NM_018055.5 (MANE Select); coding-DNA position 220, A replaced by T.
Protein change: p.Thr74Ser; replaces threonine 74 with serine.
Molecular consequence: missense variant. On other transcripts: 5 prime UTR variant (1).
Genome position (GRCh38, 1-based): chr10:70,435,957, T>A on the plus strand (A>T on the coding strand, the complement: NODAL is on the minus strand). VCF-style: chr10-70435957-T-A. GRCh37 (hg19) VCF-style: chr10-72195713-T-A.
Other names: c.-180A>T (NM_001329906.2); short protein forms T74S.
Identifiers: ClinVar variation 4998206 (VCV004998206.1).

ClinVar aggregate classification (germline): Uncertain significance (1 of 4 stars; one submission).

Conditions:
NODAL-related disorder. Also called: NODAL-related condition; NODAL-related disorders. Identifiers: MedGen CN239298.

gnomAD v4.1: 1 of 1,614,034 alleles (0.000062%); no homozygotes.

Submission:

PreventionGenetics, part of Exact Sciences
Classification: Uncertain significance for NODAL-related condition. Last evaluated: 2024-11-26. Review status: criteria provided, single submitter. Criteria: ACMG Guidelines, 2015. Collection method: clinical testing. Allele origin: germline.
Comment: The NODAL c.220A>T variant is predicted to result in the amino acid substitution p.Thr74Ser. To our knowledge, this variant has not been reported in the literature or in a large population database (gnomAD), indicating this variant is rare. At this time, the clinical significance of this variant is uncertain due to the absence of conclusive functional and genetic evidence.